The following is an entry in ClinVar:

ClinVar aggregate classification (germline): Uncertain significance (1 of 4 stars; one submission).

gnomAD v4.1: 1 of 1,611,960 alleles (0.000062%); highest among the groups gnomAD compares: Non-Finnish European, 0.000085%; no homozygotes.

Submission:

Labcorp Genetics (formerly Invitae), Labcorp
Classification: Uncertain significance. Last evaluated: 2024-12-02. Review status: criteria provided, single submitter. Criteria: Invitae Variant Classification Sherloc (09022015). Collection method: clinical testing. Allele origin: germline.
Comment: This sequence change replaces serine, which is neutral and polar, with proline, which is neutral and non-polar, at codon 229 of the SLC25A32 protein (p.Ser229Pro). This variant is not present in population databases (gnomAD no frequency). This variant has not been reported in the literature in individuals affected with SLC25A32-related conditions. ClinVar contains an entry for this variant (Variation ID: 2804332). Invitae Evidence Modeling of protein sequence and biophysical properties (such as structural, functional, and spatial information, amino acid conservation, physicochemical variation, residue mobility, and thermodynamic stability) indicates that this missense variant is not expected to disrupt SLC25A32 protein function with a negative predictive value of 80%. In summary, the available evidence is currently insufficient to determine the role of this variant in disease. Therefore, it has been classified as a Variant of Uncertain Significance.

NM_030780.5(SLC25A32):c.685T>C (p.Ser229Pro)

Gene: SLC25A32 (solute carrier family 25 member 32; minus strand). Cytogenetic location: 8q22.3.
Variant type: single nucleotide variant.
Coding change: c.685T>C on transcript NM_030780.5 (MANE Select); coding-DNA position 685, T replaced by C.
Protein change: p.Ser229Pro; replaces serine 229 with proline.
Molecular consequence: missense variant. On other transcripts: non-coding transcript variant (2).
Genome position (GRCh38, 1-based): chr8:103,401,643, A>G on the plus strand (T>C on the coding strand, the complement: SLC25A32 is on the minus strand). VCF-style: chr8-103401643-A-G. GRCh37 (hg19) VCF-style: chr8-104413871-A-G.
Other names: short protein forms S229P.
Identifiers: ClinVar variation 2804332 (VCV002804332.3), dbSNP rs2488188909, ClinGen allele CA371622427.